The following is an entry in ClinVar:

NM_170754.4(TNS2):c.2814G>C (p.Gln938His)

Gene: TNS2 (tensin 2; plus strand). Cytogenetic location: 12q13.13.
Variant type: single nucleotide variant.
Coding change: c.2814G>C on transcript NM_170754.4 (MANE Select); coding-DNA position 2814, G replaced by C.
Protein change: p.Gln938His; replaces glutamine 938 with histidine.
Molecular consequence: missense variant.
Genome position (GRCh38, 1-based): chr12:53,060,720, G>C. VCF-style: chr12-53060720-G-C. GRCh37 (hg19) VCF-style: chr12-53454504-G-C.
Other names: c.2814G>C, p.Gln938His (NM_001416202.1); c.2772G>C, p.Gln924His (NM_001416203.1); c.2841G>C, p.Gln947His (NM_001416204.1); c.2745G>C, p.Gln915His (NM_015319.3); c.2442G>C, p.Gln814His (NM_198316.2); short protein forms Q814H, Q948H, Q938H, Q915H, Q924H, Q947H.
Identifiers: ClinVar variation 1384335 (VCV001384335.8), dbSNP rs142155111, ClinGen allele CA6592709.
Genomic context (GRCh38, chr12:53,060,720, plus strand): 5'-CCTTCCACCCTACAGCACCCGGCGACAGGACACCAGGTCCCCCACCTCAGCGCCCACTCA[G>C]AGACTGAGTCCTGGCGAGGCCTTGCCCCCTGTTTCCCAGGCAGGCACCGGAAAGGCCCCT-3'
Protein context (NP_736610.2, residues 928-948): DTRSPTSAPT[Gln938His]RLSPGEALPP

ClinVar aggregate classification (germline): Uncertain significance. Review status: criteria provided, multiple submitters, no conflicts (2 of 4 stars). 3 submissions from 3 submitters: Uncertain significance (2). 1 of the submissions does not count toward it. Last evaluated 2025-11-23.

Conditions:
TNS2-related disorder. Also called: TNS2-related condition.

Allele frequency attached by ClinVar (database versions not stated): gnomAD exomes 0.00130 and 0.00087; 1000 Genomes Project 0.00060; 1000 Genomes Project 30x 0.00062; ExAC 0.00087; gnomAD 0.00088 and 0.00094; TOPMed 0.00093; ESP Exome Variant Server 0.00100.
gnomAD v4.1: 2,013 of 1,600,778 alleles (0.13%); highest among the groups gnomAD compares: Non-Finnish European, 0.16%; no homozygotes.

Submissions (3):

Labcorp Genetics (formerly Invitae), Labcorp
Classification: Uncertain significance. Last evaluated: 2025-11-23. Review status: criteria provided, single submitter. Criteria: Invitae Variant Classification Sherloc (09022015). Collection method: clinical testing. Allele origin: germline.
Comment: This sequence change replaces glutamine, which is neutral and polar, with histidine, which is basic and polar, at codon 948 of the TNS2 protein (p.Gln948His). This variant is present in population databases (rs142155111, gnomAD 0.1%), and has an allele count higher than expected for a pathogenic variant. This variant has not been reported in the literature in individuals affected with TNS2-related conditions. ClinVar contains an entry for this variant (Variation ID: 1384335). An algorithm developed to predict the effect of missense changes on protein structure and function (PolyPhen-2) suggests that this variant is likely to be tolerated. In summary, the available evidence is currently insufficient to determine the role of this variant in disease. Therefore, it has been classified as a Variant of Uncertain Significance.

Ambry Genetics
Classification: Uncertain significance. Last evaluated: 2025-06-25. Review status: criteria provided, single submitter. Criteria: Ambry Variant Classification Scheme 2023. Collection method: clinical testing. Allele origin: germline.

PreventionGenetics, part of Exact Sciences
Classification: Uncertain significance for TNS2-related condition. Last evaluated: 2024-03-20. Review status: no assertion criteria provided. Collection method: clinical testing. Allele origin: germline. Not counted in ClinVar's aggregate classification.
Comment: The TNS2 c.2844G>C variant is predicted to result in the amino acid substitution p.Gln948His. To our knowledge, this variant has not been reported in the literature. This variant is reported in 0.15% of alleles in individuals of Latino descent in gnomAD. Although we suspect that this variant may be benign, at this time, the clinical significance of this variant is uncertain due to the absence of conclusive functional and genetic evidence.